The following is an entry in ClinVar:

ClinVar aggregate classification (germline): Conflicting classifications of pathogenicity. Review status: criteria provided, conflicting classifications (1 of 4 stars). 3 submissions from 3 submitters: Uncertain significance (1); Likely benign (1). 1 of the submissions does not count toward it. Last evaluated 2026-06-24.

Conditions:
PKD1-related disorder. Also called: PKD1-related condition.

Allele frequency attached by ClinVar (database versions not stated): TOPMed 0.00016; ExAC 0.00017; gnomAD 0.00017; gnomAD exomes 0.00019.
gnomAD v4.1: 287 of 1,554,752 alleles (0.018%); highest among the groups gnomAD compares: Non-Finnish European, 0.024%; no homozygotes.

Submissions (3):

Women's Health and Genetics/Laboratory Corporation of America, LabCorp
Classification: Uncertain significance. Last evaluated: 2026-06-24. Review status: criteria provided, single submitter. Criteria: LabCorp Variant Classification Summary - May 2015. Collection method: clinical testing. Allele origin: germline.
Comment: Variant summary: PKD1 c.288G>A (p.Leu96Leu) alters a conserved nucleotide located close to a canonical splice site and therefore could affect mRNA splicing, leading to a significantly altered protein sequence. Several computational tools predict a significant impact on normal splicing: Three predict the variant weakens a 3' acceptor site. Two predict the variant has no significant impact on splicing. Two predict the variant creates a cryptic 3' acceptor site. However, these predictions have yet to be confirmed by functional studies. The variant allele was found at a frequency of 0.00011 in 223326 control chromosomes (gnomAD). This frequency is not significantly higher than estimated for disease-causing variants in PKD1, allowing no conclusion about variant significance. To our knowledge, no occurrence of c.288G>A in individuals affected with PKD1-related conditions and no experimental evidence demonstrating its impact on protein function have been reported. ClinVar contains an entry for this variant (Variation ID: 3041263). Based on the evidence outlined above, the variant was classified as uncertain significance.

Blueprint Genetics
Classification: Likely benign. Last evaluated: 2023-06-14. Review status: criteria provided, single submitter. Criteria: ACMG Guidelines, 2015. Collection method: clinical testing. Allele origin: germline.

PreventionGenetics, part of Exact Sciences
Classification: Likely benign for PKD1-related condition. Last evaluated: 2019-05-15. Review status: no assertion criteria provided. Collection method: clinical testing. Allele origin: germline. Not counted in ClinVar's aggregate classification.
Comment: This variant is classified as likely benign based on ACMG/AMP sequence variant interpretation guidelines (Richards et al. 2015 PMID: 25741868, with internal and published modifications).

NM_001009944.3(PKD1):c.288G>A (p.Leu96=)

Gene: PKD1 (polycystin 1, transient receptor potential channel interacting; minus strand). Cytogenetic location: 16p13.3.
Variant type: single nucleotide variant.
Coding change: c.288G>A on transcript NM_001009944.3 (MANE Select); coding-DNA position 288, G replaced by A.
Protein change: p.Leu96=; no amino-acid change (leucine 96 retained).
Molecular consequence: synonymous variant.
Genome position (GRCh38, 1-based): chr16:2,119,185, C>T on the plus strand (G>A on the coding strand, the complement: PKD1 is on the minus strand). VCF-style: chr16-2119185-C-T. GRCh37 (hg19) VCF-style: chr16-2169186-C-T.
Other names: c.288G>A, p.Leu96= (NM_000296.4).
Identifiers: ClinVar variation 3041263 (VCV003041263.4), dbSNP rs774219994, ClinGen allele CA7833744.